The following is an entry in ClinVar:

ClinVar aggregate classification (germline): Likely benign (0 of 4 stars; one submission).

Conditions:
PLXNA4-related disorder. Also called: PLXNA4-related condition.

Allele frequency attached by ClinVar (database versions not stated): TOPMed 0.00003; gnomAD 0.00013; gnomAD exomes 0.00023; ExAC 0.00031; 1000 Genomes Project 0.00060; 1000 Genomes Project 30x 0.00078.
gnomAD v4.1: 367 of 1,613,200 alleles (0.023%); highest among the groups gnomAD compares: South Asian, 0.23%; 2 homozygotes.

Submission:

PreventionGenetics, part of Exact Sciences
Classification: Likely benign for PLXNA4-related condition. Last evaluated: 2023-07-10. Review status: no assertion criteria provided. Collection method: clinical testing. Allele origin: germline.
Comment: This variant is classified as likely benign based on ACMG/AMP sequence variant interpretation guidelines (Richards et al. 2015 PMID: 25741868, with internal and published modifications).

NM_020911.2(PLXNA4):c.3693C>A (p.Asp1231Glu)

Gene: PLXNA4 (plexin A4; minus strand). Cytogenetic location: 7q32.3.
Variant type: single nucleotide variant.
Coding change: c.3693C>A on transcript NM_020911.2 (MANE Select); coding-DNA position 3693, C replaced by A.
Protein change: p.Asp1231Glu; replaces aspartic acid 1231 with glutamic acid.
Molecular consequence: missense variant.
Genome position (GRCh38, 1-based): chr7:132,179,868, G>T on the plus strand (C>A on the coding strand, the complement: PLXNA4 is on the minus strand). VCF-style: chr7-132179868-G-T. GRCh37 (hg19) VCF-style: chr7-131864627-G-T.
Other names: c.3693C>A, p.Asp1231Glu (NM_001393897.1); short protein forms D1231E.
Identifiers: ClinVar variation 3038811 (VCV003038811.2), dbSNP rs561785917, ClinGen allele CA4489409.